The following is an entry in ClinVar:

ClinVar aggregate classification (germline): Benign/Likely benign. Review status: criteria provided, multiple submitters, no conflicts (2 of 4 stars). 6 submissions from 6 submitters: Benign (2); Likely benign (4). Last evaluated 2025-06-16.

Conditions:
Hereditary cancer-predisposing syndrome. Also called: Hereditary Cancer Syndrome; Tumor predisposition; Neoplastic Syndromes, Hereditary; Hereditary neoplastic syndrome. Identifiers: Orphanet 140162, MedGen C0027672, MeSH D009386, MONDO:0015356.
Tuberous sclerosis 2 (TSC2). Identifiers: Orphanet 805, MedGen C1860707, MONDO:0013199, OMIM 613254.

gnomAD v4.1: 9 of 1,591,654 alleles (0.00057%); highest among the groups gnomAD compares: Non-Finnish European, 0.00077%; no homozygotes.

Submissions (6):

Labcorp Genetics (formerly Invitae), Labcorp
Classification: Likely benign for Tuberous sclerosis 2. Last evaluated: 2025-06-16. Review status: criteria provided, single submitter. Criteria: Invitae Variant Classification Sherloc (09022015). Collection method: clinical testing. Allele origin: germline.

Myriad Genetics, Inc.
Classification: Benign for Tuberous sclerosis 2. Last evaluated: 2025-05-28. Review status: criteria provided, single submitter. Criteria: Myriad Autosomal Dominant, Autosomal Recessive and X-Linked Classification Criteria (2023). Collection method: clinical testing. Allele origin: unknown.
Comment: This variant is considered benign. This variant is a silent/synonymous amino acid change and it is not expected to impact splicing.

CeGaT Center for Human Genetics Tuebingen
Classification: Likely benign. Last evaluated: 2024-06-01. Review status: criteria provided, single submitter. Criteria: CeGaT Center For Human Genetics Tuebingen Variant Classification Criteria Version 2. Collection method: clinical testing. Allele origin: germline. Affected: yes. Observed: 1 variant allele.
Comment: TSC2: BP4, BP7

Genome-Nilou Lab
Classification: Benign for Tuberous sclerosis 2. Last evaluated: 2021-11-07. Review status: criteria provided, single submitter. Criteria: ACMG Guidelines, 2015. Collection method: clinical testing. Allele origin: germline. Affected: no.

Institute for Clinical Genetics, University Hospital TU Dresden, University Hospital TU Dresden
Classification: Likely benign. Last evaluated: 2021-11-03. Review status: criteria provided, single submitter. Criteria: ACMG Guidelines, 2015. Collection method: clinical testing. Allele origin: germline.

Ambry Genetics
Classification: Likely benign for Hereditary cancer-predisposing syndrome. Last evaluated: 2021-08-05. Review status: criteria provided, single submitter. Criteria: Ambry Variant Classification Scheme 2023. Collection method: clinical testing. Allele origin: germline.

NM_000548.5(TSC2):c.3276G>C (p.Pro1092=)

Gene: TSC2 (TSC complex subunit 2; plus strand). Cytogenetic location: 16p13.3.
Variant type: single nucleotide variant.
Coding change: c.3276G>C on transcript NM_000548.5 (MANE Select); coding-DNA position 3276, G replaced by C.
Protein change: p.Pro1092=; no amino-acid change (proline 1092 retained).
Molecular consequence: synonymous variant.
Genome position (GRCh38, 1-based): chr16:2,079,420, G>C. VCF-style: chr16-2079420-G-C. GRCh37 (hg19) VCF-style: chr16-2129421-G-C.
Other names: c.3276G>C, p.Pro1092= (NM_001114382.3); c.3036G>C, p.Pro1012= (NM_001318827.2); c.3000G>C, p.Pro1000= (NM_001318829.2); c.2544G>C, p.Pro848= (NM_001318831.2); c.3177G>C, p.Pro1059= (NM_001318832.2); c.3147G>C, p.Pro1049= (NM_001363528.2, NM_001370405.1, NM_021055.3); c.3144G>C, p.Pro1048= (NM_001370404.1, NM_001077183.3).
Identifiers: ClinVar variation 536013 (VCV000536013.36), dbSNP rs368923127, ClinGen allele CA045104.